The following is an entry in ClinVar:

NM_001042492.3(NF1):c.859del (p.Asp287fs)

Gene: NF1 (neurofibromin 1; plus strand). Cytogenetic location: 17q11.2.
Variant type: Deletion.
Coding change: c.859del on transcript NM_001042492.3 (MANE Select); coding-DNA position 859, one base deleted (G; older notation c.859delG).
Protein change: p.Asp287fs; shifts the reading frame from aspartic acid 287.
Molecular consequence: frameshift variant.
Genome position (GRCh38, 1-based): chr17:31,182,636, G deleted. VCF-style (leftmost placement, unchanged base first): chr17-31182635-AG-A. GRCh37 (hg19) VCF-style: chr17-29509653-AG-A.
Other names: c.859delG, p.Asp287Thrfs (NM_000267.4); c.859del, p.Asp287fs (NM_001128147.3); short protein forms D287fs.
Identifiers: ClinVar variation 2751146 (VCV002751146.3), dbSNP rs2544754165, ClinGen allele CA2697559693.
Genomic context (GRCh38, chr17:31,182,635, plus strand): 5'-TTGGCCACTACAAATCATTCTCCTTATCTTGTGTCCAGAAATAATCCAGGATATATCCAA[AG>A]ACGTGGTTGATGAAAACAACATGAATAAGGTAAGGAGGGCAAAATTATTTCCATTATATC-3'

ClinVar aggregate classification (germline): Pathogenic (1 of 4 stars; one submission).

Conditions:
Neurofibromatosis, type 1 (NF1). Also called: Peripheral type neurofibromatosis; NEUROFIBROMATOSIS, TYPE I, SOMATIC; VON RECKLINGHAUSEN DISEASE; Neurofibromatosis, type I. Identifiers: Orphanet 636, MedGen C0027831, MONDO:0018975, OMIM 162200. Disease mechanism: loss of function.

Submission:

Labcorp Genetics (formerly Invitae), Labcorp
Classification: Pathogenic for Neurofibromatosis, type 1. Last evaluated: 2023-08-08. Review status: criteria provided, single submitter. Criteria: Invitae Variant Classification Sherloc (09022015). Collection method: clinical testing. Allele origin: germline.
Comment: For these reasons, this variant has been classified as Pathogenic. This variant has not been reported in the literature in individuals affected with NF1-related conditions. This variant is not present in population databases (gnomAD no frequency). This sequence change creates a premature translational stop signal (p.Asp287Thrfs*8) in the NF1 gene. It is expected to result in an absent or disrupted protein product. Loss-of-function variants in NF1 are known to be pathogenic (PMID: 10712197, 23913538).

Literature cited by the submitters: PubMed 10712197; PubMed 23913538.